The following is an entry in ClinVar:

ClinVar aggregate classification (germline): Uncertain significance (1 of 4 stars; one submission).

Submission:

Ambry Genetics
Classification: Uncertain significance. Last evaluated: 2022-04-29. Review status: criteria provided, single submitter. Criteria: Ambry Variant Classification Scheme 2023. Collection method: clinical testing. Allele origin: germline.
Comment: The c.1779+5G>T intronic alteration consists of a G to T substitution 5 nucleotides after exon 14 (coding exon 13) of the KARS gene. Based on insufficient or conflicting evidence, the clinical significance of this alteration remains unclear.

NM_005548.3(KARS1):c.1695+5G>T

Gene: KARS1 (lysyl-tRNA synthetase 1; minus strand). Cytogenetic location: 16q23.1.
Variant type: single nucleotide variant.
Coding change: c.1695+5G>T on transcript NM_005548.3 (MANE Select); 5 bases into the intron after coding-DNA position 1695, G replaced by T.
Molecular consequence: intron variant.
Genome position (GRCh38, 1-based): chr16:75,628,564, C>A on the plus strand (G>T on the coding strand, the complement: KARS1 is on the minus strand). VCF-style: chr16-75628564-C-A. GRCh37 (hg19) VCF-style: chr16-75662462-C-A.
Other names: c.1779+5G>T (NM_001130089.2); c.1227+5G>T (NM_001378148.1).
Identifiers: ClinVar variation 3112694 (VCV003112694.1), dbSNP rs778438390, ClinGen allele CA2233463529.